The following is an entry in ClinVar:

NM_001009944.3(PKD1):c.10973A>G (p.Lys3658Arg)

Genes: PKD1 (polycystin 1, transient receptor potential channel interacting; minus strand), PKD1-AS1 (PKD1 antisense RNA 1; plus strand). Cytogenetic location: 16p13.3.
Variant type: single nucleotide variant.
Coding change: c.10973A>G on transcript NM_001009944.3 (MANE Select); coding-DNA position 10973, A replaced by G.
Protein change: p.Lys3658Arg; replaces lysine 3658 with arginine.
Molecular consequence: missense variant.
Genome position (GRCh38, 1-based): chr16:2,093,587, T>C on the plus strand (A>G on the coding strand, the complement: PKD1 is on the minus strand). VCF-style: chr16-2093587-T-C. GRCh37 (hg19) VCF-style: chr16-2143588-T-C.
Other names: NC_000016.9:g.2143588T>C; c.10970A>G, p.Lys3657Arg (NM_000296.4); short protein forms K3657R, K3658R.
Identifiers: ClinVar variation 1804968 (VCV001804968.3), dbSNP rs562768017, ClinGen allele CA7829368.

ClinVar aggregate classification (germline): Conflicting classifications of pathogenicity. Review status: criteria provided, conflicting classifications (1 of 4 stars). 2 submissions from 2 submitters: Uncertain significance (1); Likely benign (1). Last evaluated 2024-05-22.

Conditions:
Polycystic kidney disease, adult type (PKD1). Also called: POLYCYSTIC KIDNEY DISEASE 1 WITH OR WITHOUT POLYCYSTIC LIVER DISEASE; Polycystic Kidney Disease 1, Autosomal Dominant; Polycystic kidney disease 1; Polycystic kidney disease 1, severe; POLYCYSTIC KIDNEY DISEASE, ADULT, TYPE I; Polycystic Kidney, Autosomal Dominant. Identifiers: MedGen C3149841, MONDO:0008263, OMIM 173900.

Allele frequency attached by ClinVar (database versions not stated): gnomAD exomes 0.00002; TOPMed 0.00002; gnomAD 0.00004; ExAC 0.00014; 1000 Genomes Project 30x 0.00031; 1000 Genomes Project 0.00040.

Submissions (3):

Blueprint Genetics
Classification: Likely benign. Last evaluated: 2024-05-22. Review status: criteria provided, single submitter. Criteria: ACMG Guidelines, 2015. Collection method: clinical testing. Allele origin: germline.

Victorian Clinical Genetics Services, Murdoch Childrens Research Institute
Classification: Uncertain significance for Polycystic kidney disease, adult type. Last evaluated: 2021-05-06. Review status: criteria provided, single submitter. Criteria: ACMG Guidelines, 2015. Collection method: clinical testing. Allele origin: germline. Inheritance: Autosomal dominant inheritance.
Comment: Based on the classification scheme VCGS_Germline_v1.3.4, this variant is classified as VUS-3C. Following criteria are met: 0102 - Loss of function is a known mechanism of disease in this gene and is associated with Polycystic kidney disease (MIM#173900). (I) 0107 - This gene is associated with autosomal dominant disease. Polycystic kidney disease 1 (MIM#173900) is predominantly caused by monoallelic variants, with rare reports of biallelic variants causing disease (OMIM). (I) 0200 - Variant is predicted to result in a missense amino acid change from lysine to arginine. (I) 0251 - This variant is heterozygous. (I) 0302 - Variant is present in gnomAD <0.001 for a dominant condition (v2: 21 heterozygotes, 0 homozygotes). (SP) 0503 - Missense variant consistently predicted to be tolerated by multiple in silico tools or not conserved in placental mammals with a minor amino acid change. (SB) 0604 - Variant is not located in an established domain, motif, hotspot or informative constraint region. (I) 0705 - No comparable missense variants have previous evidence for pathogenicity. (I) 0806 - This variant has moderate previous evidence of being benign in unrelated individuals. It has been reported in a polycystic kidney disease patient, in whom a causative variant in the PKD2 gene was also identified (PMID: 31056860). (SB) 0905 - No published segregation evidence has been identified for this variant. (I) 1007 - No published functional evidence has been identified for this variant. (I) 1208 - Inheritance information for this variant is not currently available in this individual. (I) Legend: (SP) - Supporting pathogenic, (I) - Information, (SB) - Supporting benign

Dr. Peter K. Rogan Lab, Western University
No classification provided (evidence only). Condition: Cervical cancer. Review status: no classification provided. Collection method: in vitro. Allele origin: not applicable. Functional consequence: retained intron. Not counted in ClinVar's aggregate classification.

Literature cited by the submitters: PubMed 31056860 (cited by Victorian Clinical Genetics Services, Murdoch Childrens Research Institute).